The following is an entry in ClinVar:

NM_032043.3(BRIP1):c.919-14A>G

Gene: BRIP1 (BRCA1 interacting DNA helicase 1; minus strand). Cytogenetic location: 17q23.2.
Variant type: single nucleotide variant.
Coding change: c.919-14A>G on transcript NM_032043.3 (MANE Select); 14 bases into the intron before coding-DNA position 919, A replaced by G.
Molecular consequence: intron variant.
Genome position (GRCh38, 1-based): chr17:61,801,488, T>C on the plus strand (A>G on the coding strand, the complement: BRIP1 is on the minus strand). VCF-style: chr17-61801488-T-C. GRCh37 (hg19) VCF-style: chr17-59878849-T-C.
Identifiers: ClinVar variation 491481 (VCV000491481.13), dbSNP rs928815517, ClinGen allele CA292286134.
Genomic context (GRCh38, chr17:61,801,488, plus strand): 5'-TGATCACTAATTTTATGAACTCCATGATAAAAATAGCAGGATTTTCCCTAGAAACAAATA[T>C]GCATAACTGAAATGTGAACCAATATTAGCATAGAAGGAATAAAATAAGCTTATCTCAGAA-3'

ClinVar aggregate classification (germline): Likely benign. Review status: criteria provided, multiple submitters, no conflicts (2 of 4 stars). 3 submissions from 3 submitters: Likely benign (3). Last evaluated 2025-02-13.

Conditions:
Fanconi anemia complementation group J. Also called: BRIP1-Related Fanconi Anemia. Identifiers: Orphanet 84, MedGen C1836860, MONDO:0012187, OMIM 609054.
Familial cancer of breast. Also called: BREAST CANCER, FAMILIAL; hereditary breast carcinoma; Hereditary breast cancer. Identifiers: Orphanet 227535, MedGen C0346153, MONDO:0016419, OMIM 114480. Disease mechanism: loss of function.
Hereditary cancer-predisposing syndrome. Also called: Tumor predisposition; Neoplastic Syndromes, Hereditary; Hereditary Cancer Syndrome; Hereditary neoplastic syndrome. Identifiers: Orphanet 140162, MedGen C0027672, MeSH D009386, MONDO:0015356.

Allele frequency attached by ClinVar (database versions not stated): TOPMed 0.00001.

Submissions (3):

Labcorp Genetics (formerly Invitae), Labcorp
Classification: Likely benign for Familial cancer of breast; Fanconi anemia complementation group J. Last evaluated: 2025-02-13. Review status: criteria provided, single submitter. Criteria: Invitae Variant Classification Sherloc (09022015). Collection method: clinical testing. Allele origin: germline.

Myriad Genetics, Inc.
Classification: Likely benign for Familial cancer of breast. Last evaluated: 2024-08-22. Review status: criteria provided, single submitter. Criteria: Myriad Autosomal Dominant, Autosomal Recessive and X-Linked Classification Criteria (2023). Collection method: clinical testing. Allele origin: unknown.
Comment: This variant is considered likely benign. This variant is intronic and is not expected to impact mRNA splicing.

Color Diagnostics, LLC DBA Color Health
Classification: Likely benign for Hereditary cancer-predisposing syndrome. Last evaluated: 2017-08-10. Review status: criteria provided, single submitter. Criteria: ACMG Guidelines, 2015. Collection method: clinical testing. Allele origin: germline.